The following is an entry in ClinVar:

ClinVar aggregate classification (germline): Conflicting classifications of pathogenicity. Review status: criteria provided, conflicting classifications (1 of 4 stars). 6 submissions from 6 submitters: Likely pathogenic (1); Uncertain significance (5). Last evaluated 2025-06-10.

Conditions:
Loeys-Dietz syndrome (LDS). Identifiers: Orphanet 60030, MedGen C2697932, MONDO:0018954.
Familial thoracic aortic aneurysm and aortic dissection (TAAD). Also called: Thoracic aortic aneurysms and dissections. Identifiers: Orphanet 91387, MedGen C4707243, MONDO:0019625.
Loeys-Dietz syndrome 2 (LDS2). Also called: TGFBR2-Related Loeys-Dietz Syndrome; Marfan syndrome, type 2 (formerly); AORTIC ANEURYSM, FAMILIAL THORACIC 3; MARFAN SYNDROME, TYPE II; Marfan Syndrome type 2; Marfan like connective tissue disorder. Identifiers: Orphanet 284973, Orphanet 558, MedGen C2674574, MONDO:0012427, OMIM 610168.

gnomAD v4.1: 3 of 1,613,974 alleles (0.00019%); highest among the groups gnomAD compares: Admixed American, 0.0033%; no homozygotes.

Submissions (6):

Labcorp Genetics (formerly Invitae), Labcorp
Classification: Uncertain significance for Familial thoracic aortic aneurysm and aortic dissection. Last evaluated: 2025-06-10. Review status: criteria provided, single submitter. Criteria: Invitae Variant Classification Sherloc (09022015). Collection method: clinical testing. Allele origin: germline.
Comment: This sequence change replaces proline, which is neutral and non-polar, with serine, which is neutral and polar, at codon 104 of the TGFBR2 protein (p.Pro104Ser). This variant is present in population databases (rs193922665, gnomAD 0.006%). This variant has not been reported in the literature in individuals affected with TGFBR2-related conditions. ClinVar contains an entry for this variant (Variation ID: 36868). Invitae Evidence Modeling of protein sequence and biophysical properties (such as structural, functional, and spatial information, amino acid conservation, physicochemical variation, residue mobility, and thermodynamic stability) indicates that this missense variant is expected to disrupt TGFBR2 protein function with a positive predictive value of 95%. In summary, the available evidence is currently insufficient to determine the role of this variant in disease. Therefore, it has been classified as a Variant of Uncertain Significance.

GeneDx
Classification: Uncertain significance. Last evaluated: 2023-09-13. Review status: criteria provided, single submitter. Criteria: GeneDx Variant Classification Process June 2021. Collection method: clinical testing. Allele origin: germline. Affected: yes.
Comment: Not observed at significant frequency in large population cohorts (gnomAD); In silico analysis supports that this missense variant has a deleterious effect on protein structure/function; Has not been previously published as pathogenic or benign to our knowledge

All of Us Research Program, National Institutes of Health
Classification: Uncertain significance for Loeys-Dietz syndrome 2. Last evaluated: 2023-03-09. Review status: criteria provided, single submitter. Criteria: ACMG Guidelines, 2015. Collection method: clinical testing. Allele origin: germline. Inheritance: Autosomal dominant inheritance. Observed: 1 variant allele, 1 heterozygote.
Comment: This missense variant replaces proline with serine at codon 104 of the TGFBR2 protein. Computational prediction suggests that this variant may have deleterious impact on protein structure and function (internally defined REVEL score threshold >= 0.7, PMID: 27666373). Splice site prediction tools suggest that this variant may not impact RNA splicing. To our knowledge, functional studies have not been reported for this variant. This variant has not been reported in individuals affected with cardiovascular disorders in the literature. This variant has been identified in 3/251060 chromosomes in the general population by the Genome Aggregation Database (gnomAD). The available evidence is insufficient to determine the role of this variant in disease conclusively. Therefore, this variant is classified as a Variant of Uncertain Significance.

This study involves interpretation of variants in research participants for the purpose of population health screening. Participant phenotype was not available at the time of variant classification. Additional details can be found in publication PMID: 35346344, PMCID: PMC8962531

Color Diagnostics, LLC DBA Color Health
Classification: Uncertain significance for Familial thoracic aortic aneurysm and aortic dissection. Last evaluated: 2023-02-02. Review status: criteria provided, single submitter. Criteria: ACMG Guidelines, 2015. Collection method: clinical testing. Allele origin: germline.
Comment: This missense variant replaces proline with serine at codon 104 of the TGFBR2 protein. Computational prediction suggests that this variant may have deleterious impact on protein structure and function (internally defined REVEL score threshold >= 0.7, PMID: 27666373). To our knowledge, functional studies have not been reported for this variant. This variant has not been reported in individuals affected with TGFBR2-related disorders in the literature. This variant has been identified in 3/251060 chromosomes in the general population by the Genome Aggregation Database (gnomAD). The available evidence is insufficient to determine the role of this variant in disease conclusively. Therefore, this variant is classified as a Variant of Uncertain Significance.

AiLife Diagnostics
Classification: Uncertain significance. Last evaluated: 2021-08-19. Review status: criteria provided, single submitter. Criteria: ACMG Guidelines, 2015. Collection method: clinical testing. Allele origin: germline. Affected: yes. Observed: 1 variant allele.

Women's Health and Genetics/Laboratory Corporation of America, LabCorp
Classification: Likely pathogenic for Loeys-Dietz Syndrome. Last evaluated: 2011-08-18. Review status: criteria provided, single submitter. Criteria: LabCorp Variant Classification Summary - May 2015. Collection method: curation, clinical testing. Allele origin: germline. Inheritance: autosomal unknown. Affected: yes.
ClinVar note: Converted during submission from likely pathogenic to Likely pathogenic.

NM_003242.6(TGFBR2):c.310C>T (p.Pro104Ser)

Gene: TGFBR2 (transforming growth factor beta receptor 2; plus strand). Cytogenetic location: 3p24.1.
Variant type: single nucleotide variant.
Coding change: c.310C>T on transcript NM_003242.6 (MANE Select); coding-DNA position 310, C replaced by T.
Protein change: p.Pro104Ser; replaces proline 104 with serine.
Molecular consequence: missense variant.
Genome position (GRCh38, 1-based): chr3:30,650,316, C>T. VCF-style: chr3-30650316-C-T. GRCh37 (hg19) VCF-style: chr3-30691808-C-T.
Other names: c.385C>T, p.Pro129Ser (NM_001024847.3, NM_001407126.1, NM_001407139.1); c.310C>T, p.Pro104Ser (NM_001407127.1, NM_001407130.1); c.337C>T, p.Pro113Ser (NM_001407128.1); c.205C>T, p.Pro69Ser (NM_001407129.1, NM_001407132.1, NM_001407133.1 and 3 more transcripts); short protein forms P104S, P129S, P69S, P113S.
Identifiers: ClinVar variation 36868 (VCV000036868.18), dbSNP rs193922665, ClinGen allele CA020765.